The following is an entry in ClinVar:

NM_018646.6(TRPV6):c.1092C>T (p.Tyr364=)

Gene: TRPV6 (transient receptor potential cation channel subfamily V member 6; minus strand). Cytogenetic location: 7q34.
Variant type: single nucleotide variant.
Coding change: c.1092C>T on transcript NM_018646.6 (MANE Select); coding-DNA position 1092, C replaced by T.
Protein change: p.Tyr364=; no amino-acid change (tyrosine 364 retained).
Molecular consequence: synonymous variant.
Genome position (GRCh38, 1-based): chr7:142,875,618, G>A on the plus strand (C>T on the coding strand, the complement: TRPV6 is on the minus strand). VCF-style: chr7-142875618-G-A. GRCh37 (hg19) VCF-style: chr7-142573371-G-A.
Identifiers: ClinVar variation 768209 (VCV000768209.10), dbSNP rs4987663, ClinGen allele CA4532629.

ClinVar aggregate classification (germline): Benign/Likely benign. Review status: criteria provided, multiple submitters, no conflicts (2 of 4 stars). 4 submissions from 4 submitters: Benign (2); Likely benign (1). 1 of the submissions does not count toward it. Last evaluated 2026-01-28.

Conditions:
Hyperparathyroidism, transient neonatal. Identifiers: MedGen C1300287, MONDO:0032591, OMIM 618188.
TRPV6-related disorder. Also called: TRPV6-related condition.

Allele frequency attached by ClinVar (database versions not stated): gnomAD exomes 0.00355 and 0.00132; gnomAD 0.01482 and 0.01363; ESP Exome Variant Server 0.01599; ExAC 0.00431; 1000 Genomes Project 0.01298; 1000 Genomes Project 30x 0.01327; TOPMed 0.01558.
gnomAD v4.1: 4,076 of 1,613,742 alleles (0.25%); highest among the groups gnomAD compares: African/African-American, 4.8%; 96 homozygotes.

Submissions (4):

Labcorp Genetics (formerly Invitae), Labcorp
Classification: Benign. Last evaluated: 2026-01-28. Review status: criteria provided, single submitter. Criteria: Invitae Variant Classification Sherloc (09022015). Collection method: clinical testing. Allele origin: germline.

Fulgent Genetics
Classification: Likely benign for Hyperparathyroidism, transient neonatal. Last evaluated: 2021-12-20. Review status: criteria provided, single submitter. Criteria: ACMG Guidelines, 2015. Collection method: clinical testing. Allele origin: unknown.

Breakthrough Genomics
Classification: Benign. Review status: criteria provided, single submitter. Criteria: ACMG Guidelines, 2015. Collection method: not provided. Allele origin: germline. Inheritance: Autosomal recessive inheritance. Affected: yes.

PreventionGenetics, part of Exact Sciences
Classification: Benign for TRPV6-related condition. Last evaluated: 2019-04-22. Review status: no assertion criteria provided. Collection method: clinical testing. Allele origin: germline. Not counted in ClinVar's aggregate classification.
Comment: This variant is classified as benign based on ACMG/AMP sequence variant interpretation guidelines (Richards et al. 2015 PMID: 25741868, with internal and published modifications).